The following is an entry in ClinVar:

ClinVar aggregate classification (germline): Likely pathogenic (1 of 4 stars; one submission).

Conditions:
Congenital microvillous atrophy (DIAR2). Also called: CONGENITAL FAMILIAL PROTRACTED DIARRHEA WITH ENTEROCYTE BRUSH-BORDER ABNORMALITIES; DAVIDSON DISEASE; MICROVILLUS ATROPHY, CONGENITAL; Microvillus inclusion disease; Diarrhea 2 with microvillus atrophy, with or without cholestasis. Identifiers: Orphanet 2290, MedGen C0341306, MONDO:0009635, OMIM 251850.

gnomAD v4.1: 2 of 1,614,102 alleles (0.00012%); highest among the groups gnomAD compares: Non-Finnish European, 0.00017%; no homozygotes.

Submission:

Aleixo Muise Laboratory, Hospital For Sick Children
Classification: Likely pathogenic for Congenital microvillous atrophy. Last evaluated: 2024-07-05. Review status: criteria provided, single submitter. Criteria: ACMG Guidelines, 2015. Collection method: research. Allele origin: inherited. Affected: yes. Observed: 1 variant allele.
Comment: PM2;PM3;PM5;PP3;PP4

NM_001080467.3(MYO5B):c.4082T>C (p.Leu1361Pro)

Gene: MYO5B (myosin VB; minus strand). Cytogenetic location: 18q21.1.
Variant type: single nucleotide variant.
Coding change: c.4082T>C on transcript NM_001080467.3 (MANE Select); coding-DNA position 4082, T replaced by C.
Protein change: p.Leu1361Pro; replaces leucine 1361 with proline.
Molecular consequence: missense variant.
Genome position (GRCh38, 1-based): chr18:49,853,588, A>G on the plus strand (T>C on the coding strand, the complement: MYO5B is on the minus strand). VCF-style: chr18-49853588-A-G. GRCh37 (hg19) VCF-style: chr18-47379958-A-G.
Other names: short protein forms L1361P.
Identifiers: ClinVar variation 3255320 (VCV003255320.1).